The following is an entry in ClinVar:

ClinVar aggregate classification (germline): Uncertain significance (1 of 4 stars; one submission).

Conditions:
Sandhoff disease. Also called: GM2-GANGLIOSIDOSIS, TYPE II; HEXOSAMINIDASES A AND B DEFICIENCY; Beta-hexosaminidase-beta-subunit deficiency; GM2 gangliosidosis, type 2; Total hexosaminidase deficiency; Sandhoff-Jatzkewitz-Pilz disease. Identifiers: Orphanet 796, MedGen C0036161, MONDO:0010006, OMIM 268800.

Allele frequency attached by ClinVar (database versions not stated): TOPMed below 0.00001; gnomAD 0.00001.

Submission:

Labcorp Genetics (formerly Invitae), Labcorp
Classification: Uncertain significance for Sandhoff disease. Last evaluated: 2022-08-11. Review status: criteria provided, single submitter. Criteria: Invitae Variant Classification Sherloc (09022015). Collection method: clinical testing. Allele origin: germline.
Comment: This sequence change replaces tryptophan, which is neutral and slightly polar, with arginine, which is basic and polar, at codon 111 of the HEXB protein (p.Trp111Arg). This variant is not present in population databases (gnomAD no frequency). This variant has not been reported in the literature in individuals affected with HEXB-related conditions. ClinVar contains an entry for this variant (Variation ID: 970530). Advanced modeling of protein sequence and biophysical properties (such as structural, functional, and spatial information, amino acid conservation, physicochemical variation, residue mobility, and thermodynamic stability) performed at Invitae indicates that this missense variant is not expected to disrupt HEXB protein function. In summary, the available evidence is currently insufficient to determine the role of this variant in disease. Therefore, it has been classified as a Variant of Uncertain Significance.

NM_000521.4(HEXB):c.331T>C (p.Trp111Arg)

Gene: HEXB (hexosaminidase subunit beta; plus strand). Cytogenetic location: 5q13.3.
Variant type: single nucleotide variant.
Coding change: c.331T>C on transcript NM_000521.4 (MANE Select); coding-DNA position 331, T replaced by C.
Protein change: p.Trp111Arg; replaces tryptophan 111 with arginine.
Molecular consequence: missense variant. On other transcripts: 5 prime UTR variant (1).
Genome position (GRCh38, 1-based): chr5:74,689,359, T>C. VCF-style: chr5-74689359-T-C. GRCh37 (hg19) VCF-style: chr5-73985184-T-C.
Other names: c.-345T>C (NM_001292004.2); short protein forms W111R.
Identifiers: ClinVar variation 970530 (VCV000970530.7), dbSNP rs1193552297, ClinGen allele CA360062917.